The following is an entry in ClinVar:

NM_016343.4(CENPF):c.562T>C (p.Leu188=)

Gene: CENPF (centromere protein F; plus strand). Cytogenetic location: 1q41.
Variant type: single nucleotide variant.
Coding change: c.562T>C on transcript NM_016343.4 (MANE Select); coding-DNA position 562, T replaced by C.
Protein change: p.Leu188=; no amino-acid change (leucine 188 retained).
Molecular consequence: synonymous variant.
Genome position (GRCh38, 1-based): chr1:214,619,209, T>C. VCF-style: chr1-214619209-T-C. GRCh37 (hg19) VCF-style: chr1-214792552-T-C.
Identifiers: ClinVar variation 767750 (VCV000767750.17), dbSNP rs61732049, ClinGen allele CA1389787.

ClinVar aggregate classification (germline): Benign/Likely benign. Review status: criteria provided, multiple submitters, no conflicts (2 of 4 stars). 5 submissions from 5 submitters: Benign (3); Likely benign (1). 1 of the submissions does not count toward it. Last evaluated 2025-08-17.

Conditions:
CENPF-related disorder. Also called: CENPF-related condition.

Allele frequency attached by ClinVar (database versions not stated): gnomAD exomes 0.00033 and 0.00077; ExAC 0.00097; 1000 Genomes Project 0.00319; 1000 Genomes Project 30x 0.00344; ESP Exome Variant Server 0.00354; gnomAD 0.00364 and 0.00395; TOPMed 0.00394.
gnomAD v4.1: 1,016 of 1,555,162 alleles (0.065%); highest among the groups gnomAD compares: African/African-American, 1.3%; 7 homozygotes.

Submissions (5):

Labcorp Genetics (formerly Invitae), Labcorp
Classification: Benign. Last evaluated: 2025-08-17. Review status: criteria provided, single submitter. Criteria: Invitae Variant Classification Sherloc (09022015). Collection method: clinical testing. Allele origin: germline.

Blueprint Genetics
Classification: Likely benign. Last evaluated: 2024-11-13. Review status: criteria provided, single submitter. Criteria: ACMG Guidelines, 2015. Collection method: clinical testing. Allele origin: germline.

Genetic Services Laboratory, University of Chicago
Classification: Benign. Last evaluated: 2018-01-19. Review status: criteria provided, single submitter. Criteria: ACMG Guidelines, 2015. Collection method: clinical testing. Allele origin: germline. Affected: no.

Breakthrough Genomics
Classification: Benign. Review status: criteria provided, single submitter. Criteria: ACMG Guidelines, 2015. Collection method: not provided. Allele origin: germline. Inheritance: Autosomal recessive inheritance. Affected: yes.

PreventionGenetics, part of Exact Sciences
Classification: Benign for CENPF-related condition. Last evaluated: 2019-03-22. Review status: no assertion criteria provided. Collection method: clinical testing. Allele origin: germline. Not counted in ClinVar's aggregate classification.
Comment: This variant is classified as benign based on ACMG/AMP sequence variant interpretation guidelines (Richards et al. 2015 PMID: 25741868, with internal and published modifications).